The following is an entry in ClinVar:

NM_000392.5(ABCC2):c.3987+21C>T

Gene: ABCC2 (ATP binding cassette subfamily C member 2; plus strand). Cytogenetic location: 10q24.2.
Variant type: single nucleotide variant.
Coding change: c.3987+21C>T on transcript NM_000392.5 (MANE Select); 21 bases into the intron after coding-DNA position 3987, C replaced by T.
Molecular consequence: intron variant.
Genome position (GRCh38, 1-based): chr10:99,844,486, C>T. VCF-style: chr10-99844486-C-T. GRCh37 (hg19) VCF-style: chr10-101604243-C-T.
Other names: NC_000010.10:g.101604243C>T; p.?.
Identifiers: ClinVar variation 4358918 (VCV004358918.2).

ClinVar aggregate classification (germline): Benign (1 of 4 stars; one submission).

gnomAD v4.1: 7,716 of 1,611,436 alleles (0.48%); highest among the groups gnomAD compares: Middle Eastern, 2.6%; 37 homozygotes.

Submissions (5):

Mayo Clinic Laboratories, Mayo Clinic
Classification: Benign. Last evaluated: 2024-12-03. Review status: criteria provided, single submitter. Criteria: ACMG Guidelines, 2015. Collection method: clinical testing. Allele origin: germline. Observed: 6 variant alleles.
Comment: BA1, BP4, BP7

Dr. Peter K. Rogan Lab, Western University
No classification provided (evidence only). Condition: Lung cancer. Review status: no classification provided. Collection method: in vitro. Allele origin: not applicable. Functional consequence: retained intron. Not counted in ClinVar's aggregate classification.

Dr. Peter K. Rogan Lab, Western University
No classification provided (evidence only). Condition: Lung cancer. Review status: no classification provided. Collection method: in vitro. Allele origin: not applicable. Functional consequence: retained intron. Not counted in ClinVar's aggregate classification.

Dr. Peter K. Rogan Lab, Western University
No classification provided (evidence only). Condition: Cervical cancer. Review status: no classification provided. Collection method: in vitro. Allele origin: not applicable. Functional consequence: retained intron. Not counted in ClinVar's aggregate classification.

Dr. Peter K. Rogan Lab, Western University
No classification provided (evidence only). Condition: Malignant tumor of esophagus. Review status: no classification provided. Collection method: in vitro. Allele origin: not applicable. Functional consequence: retained intron. Not counted in ClinVar's aggregate classification.